The following is an entry in ClinVar:

ClinVar aggregate classification (germline): Uncertain significance (1 of 4 stars; one submission).

Conditions:
Kabuki syndrome. Also called: Kabuki make-up syndrome; NIIKAWA-KUROKI SYNDROME. Identifiers: Orphanet 2322, MedGen C0796004, MONDO:0016512.

Submission:

Labcorp Genetics (formerly Invitae), Labcorp
Classification: Uncertain significance for Kabuki syndrome. Last evaluated: 2024-03-21. Review status: criteria provided, single submitter. Criteria: Invitae Variant Classification Sherloc (09022015). Collection method: clinical testing. Allele origin: germline.
Comment: This sequence change replaces lysine, which is basic and polar, with asparagine, which is neutral and polar, at codon 5127 of the KMT2D protein (p.Lys5127Asn). This variant is not present in population databases (gnomAD no frequency). This variant has not been reported in the literature in individuals affected with KMT2D-related conditions. Advanced modeling of protein sequence and biophysical properties (such as structural, functional, and spatial information, amino acid conservation, physicochemical variation, residue mobility, and thermodynamic stability) has been performed at Invitae for this missense variant, however the output from this modeling did not meet the statistical confidence thresholds required to predict the impact of this variant on KMT2D protein function. In summary, the available evidence is currently insufficient to determine the role of this variant in disease. Therefore, it has been classified as a Variant of Uncertain Significance.

NM_003482.4(KMT2D):c.15381G>C (p.Lys5127Asn)

Gene: KMT2D (lysine methyltransferase 2D; minus strand). Cytogenetic location: 12q13.12.
Variant type: single nucleotide variant.
Coding change: c.15381G>C on transcript NM_003482.4 (MANE Select); coding-DNA position 15381, G replaced by C.
Protein change: p.Lys5127Asn; replaces lysine 5127 with asparagine.
Molecular consequence: missense variant.
Genome position (GRCh38, 1-based): chr12:49,026,585, C>G on the plus strand (G>C on the coding strand, the complement: KMT2D is on the minus strand). VCF-style: chr12-49026585-C-G. GRCh37 (hg19) VCF-style: chr12-49420368-C-G.
Other names: short protein forms K5127N.
Identifiers: ClinVar variation 3704764 (VCV003704764.2).